The following is an entry in ClinVar:

ClinVar aggregate classification (germline): Conflicting classifications of pathogenicity. Review status: criteria provided, conflicting classifications (1 of 4 stars). 3 submissions from 3 submitters: Uncertain significance (2); Likely benign (1). Last evaluated 2025-12-15.

Conditions:
Cardiac valvular dysplasia, X-linked (CVDPX). Also called: Isolated X-Linked Cardiac Valvular Dysplasia; MYXOMATOUS VALVULAR DYSTROPHY, X-LINKED; VALVULAR HEART DISEASE, CONGENITAL; Congenital valvular dysplasia; FLNA-Related X-linked Cardiac Valvular Dysplasia. Identifiers: Orphanet 1864, Orphanet 555877, Orphanet 75497, MedGen C0262436, MONDO:0010753, OMIM 314400.
Familial thoracic aortic aneurysm and aortic dissection (TAAD). Also called: Thoracic aortic aneurysms and dissections. Identifiers: Orphanet 91387, MedGen C4707243, MONDO:0019625.
Frontometaphyseal dysplasia (FMD1). Identifiers: Orphanet 1826, MedGen C0265293, MONDO:0015942.
Heterotopia, periventricular, X-linked dominant (PVNH1). Also called: PERIVENTRICULAR NODULAR HETEROTOPIA 1; X-linked periventricular heterotopia; PERIVENTRICULAR NODULAR HETEROTOPIA 4; HETEROTOPIA, PERIVENTRICULAR, 1. Identifiers: Orphanet 2149, Orphanet 82004, MedGen C1848213, MONDO:0010233, OMIM 300049.
Melnick-Needles syndrome (MNS). Also called: MELNICK-NEEDLES OSTEODYSPLASTY; OSTEODYSPLASTY OF MELNICK AND NEEDLES; Melnick-Needles Syndrome (FLNA-MNS). Identifiers: Orphanet 2484, MedGen C0025237, MONDO:0010650, OMIM 309350.
Oto-palato-digital syndrome, type II (OPD2). Also called: OPD II SYNDROME; FACIOPALATOOSSEOUS SYNDROME; Otopalatodigital Syndrome Type 2 (FLNA-OPD2); Otopalatodigital Syndrome, Type II. Identifiers: Orphanet 669, Orphanet 90652, MedGen C1844696, MONDO:0010571, OMIM 304120.

Allele frequency attached by ClinVar (database versions not stated): gnomAD exomes below 0.00001; gnomAD 0.00002; TOPMed 0.00003.
gnomAD v4.1: 7 of 1,209,837 alleles (0.00058%); highest among the groups gnomAD compares: African/African-American, 0.0017%; no homozygotes.

Submissions (3):

Ambry Genetics
Classification: Likely benign for Familial thoracic aortic aneurysm and aortic dissection. Last evaluated: 2025-12-15. Review status: criteria provided, single submitter. Criteria: Ambry Variant Classification Scheme 2023. Collection method: clinical testing. Allele origin: germline.

Labcorp Genetics (formerly Invitae), Labcorp
Classification: Uncertain significance for Oto-palato-digital syndrome, type II; Heterotopia, periventricular, X-linked dominant; Frontometaphyseal dysplasia; Melnick-Needles syndrome. Last evaluated: 2025-09-10. Review status: criteria provided, single submitter. Criteria: Invitae Variant Classification Sherloc (09022015). Collection method: clinical testing. Allele origin: germline.
Comment: This sequence change replaces valine, which is neutral and non-polar, with isoleucine, which is neutral and non-polar, at codon 1231 of the FLNA protein (p.Val1231Ile). This variant is not present in population databases (gnomAD no frequency). This variant has not been reported in the literature in individuals affected with FLNA-related conditions. ClinVar contains an entry for this variant (Variation ID: 931380). Invitae Evidence Modeling of protein sequence and biophysical properties (such as structural, functional, and spatial information, amino acid conservation, physicochemical variation, residue mobility, and thermodynamic stability) indicates that this missense variant is not expected to disrupt FLNA protein function with a negative predictive value of 95%. In summary, the available evidence is currently insufficient to determine the role of this variant in disease. Therefore, it has been classified as a Variant of Uncertain Significance.

Centre for Mendelian Genomics, University Medical Centre Ljubljana
Classification: Uncertain significance for Cardiac valvular dysplasia, X-linked. Last evaluated: 2016-01-01. Review status: criteria provided, single submitter. Criteria: ACMG Guidelines, 2015. Collection method: clinical testing. Allele origin: unknown. Affected: yes.
Comment: This variant was classified as: Uncertain significance. The following ACMG criteria were applied in classifying this variant: PM2.

NM_001110556.2(FLNA):c.3691G>A (p.Val1231Ile)

Gene: FLNA (filamin A; minus strand). Cytogenetic location: Xq28.
Variant type: single nucleotide variant.
Coding change: c.3691G>A on transcript NM_001110556.2 (MANE Select); coding-DNA position 3691, G replaced by A.
Protein change: p.Val1231Ile; replaces valine 1231 with isoleucine.
Molecular consequence: missense variant.
Genome position (GRCh38, 1-based): chrX:154,360,104, C>T on the plus strand (G>A on the coding strand, the complement: FLNA is on the minus strand). VCF-style: chrX-154360104-C-T. GRCh37 (hg19) VCF-style: chrX-153588472-C-T.
Other names: c.3691G>A, p.Val1231Ile (NM_001456.4); short protein forms V1231I.
Identifiers: ClinVar variation 931380 (VCV000931380.14), dbSNP rs1191721014, ClinGen allele CA415223286.
Genomic context (GRCh38, chrX:154,360,104, plus strand): 5'-GTTCCACCTGCAGCTTGCTGGGGAAGTTGGGCACGGGCTGGCCGCCGTACTTGATGGTGA[C>T]GGTGTAGGCCCCGGGGCAGAGGGGAATGTAGGTAATGGTGTGCGTGCCATCACCGTGGTC-3'
Protein context (NP_001104026.1, residues 1221-1241): YIPLCPGAYT[Val1231Ile]TIKYGGQPVP